The following is an entry in ClinVar:

NM_199242.3(UNC13D):c.1055+1G>A

Gene: UNC13D (unc-13 homolog D; minus strand). Cytogenetic location: 17q25.1.
Variant type: single nucleotide variant.
Coding change: c.1055+1G>A on transcript NM_199242.3 (MANE Select); the canonical splice donor site of the intron after coding-DNA position 1055, G replaced by A.
Molecular consequence: splice donor variant.
Genome position (GRCh38, 1-based): chr17:75,839,838, C>T on the plus strand (G>A on the coding strand, the complement: UNC13D is on the minus strand). VCF-style: chr17-75839838-C-T. GRCh37 (hg19) VCF-style: chr17-73835919-C-T.
Identifiers: ClinVar variation 1070748 (VCV001070748.19), dbSNP rs754205110, ClinGen allele CA8773158.

ClinVar aggregate classification (germline): Pathogenic/Likely pathogenic. Review status: criteria provided, multiple submitters, no conflicts (2 of 4 stars). 6 submissions from 6 submitters: Pathogenic (5); Likely pathogenic (1). Last evaluated 2024-11-04.

Conditions:
UNC13D-related disorder. Also called: UNC13D-related condition.
Familial hemophagocytic lymphohistiocytosis 3 (FHL3). Also called: UNC13D-Related Familial Hemophagocytic Lymphohistiocytosis (UNC13D-fHLH). Identifiers: Orphanet 540, MedGen C1837174, MONDO:0012146, OMIM 608898.
Autoinflammatory syndrome. Identifiers: Orphanet 93665, MedGen C3890737, MONDO:0019751.

Allele frequency attached by ClinVar (database versions not stated): TOPMed below 0.00001; ExAC 0.00001; gnomAD exomes 0.00001.
gnomAD v4.1: 13 of 1,613,594 alleles (0.00081%); highest among the groups gnomAD compares: South Asian, 0.0055%; no homozygotes.

Submissions (8):

Labcorp Genetics (formerly Invitae), Labcorp
Classification: Pathogenic for Familial hemophagocytic lymphohistiocytosis 3. Last evaluated: 2024-11-04. Review status: criteria provided, single submitter. Criteria: Invitae Variant Classification Sherloc (09022015). Collection method: clinical testing. Allele origin: germline.
Comment: This sequence change affects a donor splice site in intron 12 of the UNC13D gene. It is expected to disrupt RNA splicing. Variants that disrupt the donor or acceptor splice site typically lead to a loss of protein function (PMID: 16199547), and loss-of-function variants in UNC13D are known to be pathogenic (PMID: 14622600). This variant is present in population databases (rs754205110, gnomAD 0.006%). Disruption of this splice site has been observed in individuals with familial hemophagocytic lymphohistiocytosis (PMID: 23180437, 29262924). ClinVar contains an entry for this variant (Variation ID: 1070748). Algorithms developed to predict the effect of sequence changes on RNA splicing suggest that this variant may disrupt the consensus splice site. For these reasons, this variant has been classified as Pathogenic.

Blueprint Genetics
Classification: Pathogenic for UNC13D-related disorders. Last evaluated: 2024-10-16. Review status: criteria provided, single submitter. Criteria: ACMG Guidelines, 2015. Collection method: clinical testing. Allele origin: germline. Affected: yes. Observed: 3 variant alleles.

Diagnostic Genetics, Severance Hospital, Yonsei University College of Medicine
Classification: Likely pathogenic for Familial hemophagocytic lymphohistiocytosis 3. Last evaluated: 2023-01-03. Review status: criteria provided, single submitter. Criteria: ACMG Guidelines, 2015. Collection method: clinical testing. Allele origin: germline. Affected: yes.

Revvity Omics, Revvity
Classification: Pathogenic for Familial hemophagocytic lymphohistiocytosis 3. Last evaluated: 2019-12-20. Review status: criteria provided, single submitter. Criteria: ACMG Guidelines, 2015. Collection method: clinical testing. Allele origin: germline.

Genome Diagnostics Laboratory, The Hospital for Sick Children
Classification: Pathogenic for Autoinflammatory syndrome. Last evaluated: 2019-09-01. Review status: criteria provided, single submitter. Criteria: ACMG Guidelines, 2015. Collection method: clinical testing. Allele origin: germline. Affected: yes.

Juno Genomics, Hangzhou Juno Genomics, Inc
Classification: Pathogenic for Familial hemophagocytic lymphohistiocytosis 3. Review status: criteria provided, single submitter. Criteria: ACMG Guidelines, 2015. Collection method: clinical testing. Allele origin: germline.
Comment: Absent from controls (or at extremely low frequency if recessive) in Genome Aggregation Database.;Null variant in a gene where loss of function (LOF) is a known mechanism of disease.;For recessive disorders, detected in trans with a pathogenic variant.;Patient's phenotype or family history is highly specific for a disease with a single genetic etiology.

Dr. Peter K. Rogan Lab, Western University
No classification provided (evidence only). Condition: Familial cancer of breast. Review status: no classification provided. Collection method: in vitro. Allele origin: not applicable. Functional consequence: skipped exon, retained intron. Not counted in ClinVar's aggregate classification.

Dr. Peter K. Rogan Lab, Western University
No classification provided (evidence only). Condition: Malignant tumor of esophagus. Review status: no classification provided. Collection method: in vitro. Allele origin: not applicable. Functional consequence: retained intron. Not counted in ClinVar's aggregate classification.

Literature cited by the submitters: PubMed 16199547 (cited by Labcorp Genetics (formerly Invitae), Labcorp); PubMed 14622600 (cited by Labcorp Genetics (formerly Invitae), Labcorp); PubMed 23180437 (cited by Labcorp Genetics (formerly Invitae), Labcorp); PubMed 29262924 (cited by Labcorp Genetics (formerly Invitae), Labcorp).